The following is an entry in ClinVar:

NM_014996.4(PLCH1):c.4194C>T (p.Asn1398=)

Gene: PLCH1 (phospholipase C eta 1; minus strand). Cytogenetic location: 3q25.31.
Variant type: single nucleotide variant.
Coding change: c.4194C>T on transcript NM_014996.4 (MANE Select); coding-DNA position 4194, C replaced by T.
Protein change: p.Asn1398=; no amino-acid change (asparagine 1398 retained).
Molecular consequence: synonymous variant. On other transcripts: 3 prime UTR variant (3).
Genome position (GRCh38, 1-based): chr3:155,481,832, G>A on the plus strand (C>T on the coding strand, the complement: PLCH1 is on the minus strand). VCF-style: chr3-155481832-G-A. GRCh37 (hg19) VCF-style: chr3-155199621-G-A.
Other names: c.4218C>T, p.Asn1406= (NM_001130960.2); c.*1237C>T (NM_001130961.2); c.*1234C>T (NM_001349250.2, NM_001349252.2); c.4191C>T, p.Asn1397= (NM_001349251.2).
Identifiers: ClinVar variation 4821881 (VCV004821881.4).

ClinVar aggregate classification (germline): Likely benign (1 of 4 stars; one submission).

gnomAD v4.1: 32 of 1,614,024 alleles (0.002%); highest among the groups gnomAD compares: Admixed American, 0.0033%; no homozygotes.

Submission:

CeGaT Center for Human Genetics Tuebingen
Classification: Likely benign. Last evaluated: 2026-03-01. Review status: criteria provided, single submitter. Criteria: CeGaT Center For Human Genetics Tuebingen Variant Classification Criteria Version 2. Collection method: clinical testing. Allele origin: germline. Affected: yes. Observed: 1 variant allele.
Comment: PLCH1: BP4, BP7